The following is an entry in ClinVar:

ClinVar aggregate classification (germline): Uncertain significance (1 of 4 stars; one submission).

Conditions:
Atrial fibrillation, familial, 18 (ATFB18). Identifiers: MedGen C4310636, MONDO:0015001, OMIM 617280.

gnomAD v4.1: 21 of 1,614,062 alleles (0.0013%); highest among the groups gnomAD compares: South Asian, 0.011%; 1 homozygote.

Submission:

Labcorp Genetics (formerly Invitae), Labcorp
Classification: Uncertain significance for Atrial fibrillation, familial, 18. Last evaluated: 2024-05-07. Review status: criteria provided, single submitter. Criteria: Invitae Variant Classification Sherloc (09022015). Collection method: clinical testing. Allele origin: germline.
Comment: This sequence change replaces aspartic acid, which is acidic and polar, with asparagine, which is neutral and polar, at codon 51 of the MYL4 protein (p.Asp51Asn). This variant is present in population databases (rs772358836, gnomAD 0.01%). This variant has not been reported in the literature in individuals affected with MYL4-related conditions. An algorithm developed to predict the effect of missense changes on protein structure and function (PolyPhen-2) suggests that this variant is likely to be tolerated. In summary, the available evidence is currently insufficient to determine the role of this variant in disease. Therefore, it has been classified as a Variant of Uncertain Significance.

NM_002476.2(MYL4):c.151G>A (p.Asp51Asn)

Gene: MYL4 (myosin light chain 4; plus strand). Cytogenetic location: 17q21.32.
Variant type: single nucleotide variant.
Coding change: c.151G>A on transcript NM_002476.2 (MANE Select); coding-DNA position 151, G replaced by A.
Protein change: p.Asp51Asn; replaces aspartic acid 51 with asparagine.
Molecular consequence: missense variant.
Genome position (GRCh38, 1-based): chr17:47,213,814, G>A. VCF-style: chr17-47213814-G-A. GRCh37 (hg19) VCF-style: chr17-45291180-G-A.
Other names: c.151G>A, p.Asp51Asn (NM_001002841.2); short protein forms D51N.
Identifiers: ClinVar variation 3717841 (VCV003717841.2).